The following is an entry in ClinVar:

ClinVar aggregate classification (germline): Uncertain significance (1 of 4 stars; one submission).

Allele frequency attached by ClinVar (database versions not stated): gnomAD exomes below 0.00001.
gnomAD v4.1: 1 of 1,614,110 alleles (0.000062%); highest among the groups gnomAD compares: Non-Finnish European, 0.000085%; no homozygotes.

Submission:

Labcorp Genetics (formerly Invitae), Labcorp
Classification: Uncertain significance. Last evaluated: 2025-06-04. Review status: criteria provided, single submitter. Criteria: Invitae Variant Classification Sherloc (09022015). Collection method: clinical testing. Allele origin: germline.
Comment: This sequence change replaces glycine, which is neutral and non-polar, with alanine, which is neutral and non-polar, at codon 2962 of the KMT2C protein (p.Gly2962Ala). This variant is not present in population databases (gnomAD no frequency). This variant has not been reported in the literature in individuals affected with KMT2C-related conditions. ClinVar contains an entry for this variant (Variation ID: 1463174). Invitae Evidence Modeling of protein sequence and biophysical properties (such as structural, functional, and spatial information, amino acid conservation, physicochemical variation, residue mobility, and thermodynamic stability) indicates that this missense variant is expected to disrupt KMT2C protein function with a positive predictive value of 80%. In summary, the available evidence is currently insufficient to determine the role of this variant in disease. Therefore, it has been classified as a Variant of Uncertain Significance.

NM_170606.3(KMT2C):c.8885G>C (p.Gly2962Ala)

Gene: KMT2C (lysine methyltransferase 2C; minus strand). Cytogenetic location: 7q36.1.
Variant type: single nucleotide variant.
Coding change: c.8885G>C on transcript NM_170606.3 (MANE Select); coding-DNA position 8885, G replaced by C.
Protein change: p.Gly2962Ala; replaces glycine 2962 with alanine.
Molecular consequence: missense variant.
Genome position (GRCh38, 1-based): chr7:152,176,568, C>G on the plus strand (G>C on the coding strand, the complement: KMT2C is on the minus strand). VCF-style: chr7-152176568-C-G. GRCh37 (hg19) VCF-style: chr7-151873653-C-G.
Other names: short protein forms G2962A.
Identifiers: ClinVar variation 1463174 (VCV001463174.6), dbSNP rs1587944348, ClinGen allele CA370076960.
Genomic context (GRCh38, chr7:152,176,568, plus strand): 5'-ACATGGTTTACCCTAGAGACTACTGTCACATTAGAATTCATGGCATTATCCAAAACACGG[C>G]CAGGCGGTGCTATGAAAGGAGGCAAACTTGACACATGATTGGATGGGGAGGCCGGCAGAG-3'
Protein context (NP_733751.2, residues 2952-2972): SSLPPFIAPP[Gly2962Ala]RVLDNAMNSN